The following is an entry in ClinVar:

NM_005633.4(SOS1):c.3276_3295del (p.Ser1093fs)

Gene: SOS1 (SOS Ras/Rac guanine nucleotide exchange factor 1; minus strand). Cytogenetic location: 2p22.1.
Variant type: Deletion.
Coding change: c.3276_3295del on transcript NM_005633.4 (MANE Select); coding-DNA positions 3276 to 3295, 20 bases deleted (TTCTGGTGCTTCCAGTACCA).
Protein change: p.Ser1093fs; shifts the reading frame from serine 1093.
Molecular consequence: frameshift variant.
Genome position (GRCh38, 1-based): chr2:38,995,174-38,995,193, TGGTACTGGAAGCACCAGAA deleted on the plus strand (TTCTGGTGCTTCCAGTACCA on the coding strand, the reverse complement: SOS1 is on the minus strand). VCF-style (leftmost placement, unchanged base first): chr2-38995173-GTGGTACTGGAAGCACCAGAA-G. GRCh37 (hg19) VCF-style: chr2-39222314-GTGGTACTGGAAGCACCAGAA-G.
Other names: c.3255_3274del, p.Ser1086fs (NM_001382394.1); c.3276_3295del, p.Ser1093fs (NM_001382395.1); c.3276_3295del20, p.Ser1093Argfs (NM_005633.3); short protein forms S1086fs, S1093fs.
Identifiers: ClinVar variation 2499193 (VCV002499193.1), dbSNP rs2528914271, ClinGen allele CA2580066429.
Genomic context (GRCh38, chr2:38,995,173, plus strand): 5'-TTGCACCTACTTGAGTGAAAAGGGCTCGAATGATCGGAATCAAATACACTGCAAACATCT[GTGGTACTGGAAGCACCAGAA>G]GCAGGCGGAGGTGTTAACGGTGTTCTTGGAGAATTTGGTGCAGATGCTGTACTTTCTGTT-3'

ClinVar aggregate classification (germline): Uncertain significance (1 of 4 stars; one submission).

Submission:

GeneDx
Classification: Uncertain significance. Last evaluated: 2022-10-13. Review status: criteria provided, single submitter. Criteria: GeneDx Variant Classification Process June 2021. Collection method: clinical testing. Allele origin: germline. Affected: yes.
Comment: Not observed at significant frequency in large population cohorts (gnomAD); Frameshift variant predicted to result in protein truncation or nonsense mediated decay in a gene or region of a gene for which loss of function is not a well-established mechanism of disease; Has not been previously published as pathogenic or benign to our knowledge.